The following is an entry in ClinVar:

ClinVar aggregate classification (germline): Uncertain significance. Review status: criteria provided, multiple submitters, no conflicts (2 of 4 stars). 3 submissions from 3 submitters: Uncertain significance (2). 1 of the submissions does not count toward it. Last evaluated 2026-02-01.

Conditions:
Retinitis pigmentosa 20 (RP20). Identifiers: Orphanet 791, MedGen C3151086, MONDO:0013425, OMIM 613794.
Leber congenital amaurosis 2 (LCA2). Also called: AMAUROSIS CONGENITA OF LEBER II; Autosomal Recessive RPE65-Related Retinal Degeneration. Identifiers: Orphanet 65, MedGen C1859844, MONDO:0008765, OMIM 204100. Disease mechanism: loss of function.
Leber congenital amaurosis (LCA). Also called: Leber's amaurosis. Identifiers: Orphanet 65, MedGen C0339527, MeSH D057130, MONDO:0018998.

Allele frequency attached by ClinVar (database versions not stated): ExAC 0.00002; gnomAD exomes 0.00002 and 0.00004; gnomAD 0.00004; TOPMed 0.00004; ESP Exome Variant Server 0.00008.
gnomAD v4.1: 36 of 1,613,936 alleles (0.0022%); highest among the groups gnomAD compares: Admixed American, 0.0083%; no homozygotes.

Submissions (3):

Labcorp Genetics (formerly Invitae), Labcorp
Classification: Uncertain significance for Leber congenital amaurosis 2; Retinitis pigmentosa 20. Last evaluated: 2026-02-01. Review status: criteria provided, single submitter. Criteria: Invitae Variant Classification Sherloc (09022015). Collection method: clinical testing. Allele origin: germline.
Comment: This sequence change replaces valine, which is neutral and non-polar, with isoleucine, which is neutral and non-polar, at codon 90 of the RPE65 protein (p.Val90Ile). This variant is present in population databases (rs370076628, gnomAD 0.01%). This variant has not been reported in the literature in individuals affected with RPE65-related conditions. ClinVar contains an entry for this variant (Variation ID: 839599). Invitae Evidence Modeling of protein sequence and biophysical properties (such as structural, functional, and spatial information, amino acid conservation, physicochemical variation, residue mobility, and thermodynamic stability) indicates that this missense variant is not expected to disrupt RPE65 protein function with a negative predictive value of 80%. In summary, the available evidence is currently insufficient to determine the role of this variant in disease. Therefore, it has been classified as a Variant of Uncertain Significance.

CeGaT Center for Human Genetics Tuebingen
Classification: Uncertain significance. Last evaluated: 2024-01-01. Review status: criteria provided, single submitter. Criteria: CeGaT Center For Human Genetics Tuebingen Variant Classification Criteria Version 2. Collection method: clinical testing. Allele origin: germline. Affected: yes. Observed: 1 variant allele.
Comment: RPE65: PM2

Natera, Inc.
Classification: Uncertain significance for Leber congenital amaurosis. Last evaluated: 2020-01-24. Review status: no assertion criteria provided. Collection method: clinical testing. Allele origin: germline. Not counted in ClinVar's aggregate classification.

NM_000329.3(RPE65):c.268G>A (p.Val90Ile)

Gene: RPE65 (retinoid isomerohydrolase RPE65; minus strand). Cytogenetic location: 1p31.3.
Variant type: single nucleotide variant.
Coding change: c.268G>A on transcript NM_000329.3 (MANE Select); coding-DNA position 268, G replaced by A.
Protein change: p.Val90Ile; replaces valine 90 with isoleucine.
Molecular consequence: missense variant.
Genome position (GRCh38, 1-based): chr1:68,444,861, C>T on the plus strand (G>A on the coding strand, the complement: RPE65 is on the minus strand). VCF-style: chr1-68444861-C-T. GRCh37 (hg19) VCF-style: chr1-68910544-C-T.
Other names: short protein forms V90I.
Identifiers: ClinVar variation 839599 (VCV000839599.28), dbSNP rs370076628, ClinGen allele CA902553.